The following is an entry in ClinVar:

NM_005157.6(ABL1):c.2949_2951del (p.Thr984del)

Gene: ABL1 (ABL proto-oncogene 1, non-receptor tyrosine kinase; plus strand). Cytogenetic location: 9q34.12.
Variant type: Deletion.
Coding change: c.2949_2951del on transcript NM_005157.6 (MANE Select); coding-DNA positions 2949 to 2951, 3 bases deleted (CAC; older notation c.2949_2951delCAC).
Protein change: p.Thr984del; deletes threonine 984.
Molecular consequence: inframe deletion.
Genome position (GRCh38, 1-based): chr9:130,885,239-130,885,241, CAC deleted; deleting any 3 consecutive bases within chr9:130,885,238-130,885,241 gives the same sequence; the c. name uses the placement nearest the transcript's 3' end. VCF-style (leftmost placement, unchanged base first): chr9-130885237-TCCA-T. GRCh37 (hg19) VCF-style: chr9-133760624-TCCA-T.
Other names: c.3006_3008del, p.Thr1003del (NM_007313.3); short protein forms T1003del, T984del.
Identifiers: ClinVar variation 1396097 (VCV001396097.6), dbSNP rs1487788222, ClinGen allele CA590945424.

ClinVar aggregate classification (germline): Uncertain significance (1 of 4 stars; one submission).

Submission:

Labcorp Genetics (formerly Invitae), Labcorp
Classification: Uncertain significance. Last evaluated: 2025-06-11. Review status: criteria provided, single submitter. Criteria: Invitae Variant Classification Sherloc (09022015). Collection method: clinical testing. Allele origin: germline.
Comment: This variant, c.3006_3008del, results in the deletion of 1 amino acid(s) of the ABL1 protein (p.Thr1003del), but otherwise preserves the integrity of the reading frame. This variant is present in population databases (no rsID available, gnomAD 0.002%). This variant has not been reported in the literature in individuals affected with ABL1-related conditions. ClinVar contains an entry for this variant (Variation ID: 1396097). Experimental studies and prediction algorithms are not available or were not evaluated, and the functional significance of this variant is currently unknown. In summary, the available evidence is currently insufficient to determine the role of this variant in disease. Therefore, it has been classified as a Variant of Uncertain Significance.